The following is an entry in ClinVar:

NM_015425.6(POLR1A):c.3646G>T (p.Ala1216Ser)

Gene: POLR1A (RNA polymerase I subunit A; minus strand). Cytogenetic location: 2p11.2.
Variant type: single nucleotide variant.
Coding change: c.3646G>T on transcript NM_015425.6 (MANE Select); coding-DNA position 3646, G replaced by T.
Protein change: p.Ala1216Ser; replaces alanine 1216 with serine.
Molecular consequence: missense variant.
Genome position (GRCh38, 1-based): chr2:86,040,486, C>A on the plus strand (G>T on the coding strand, the complement: POLR1A is on the minus strand). VCF-style: chr2-86040486-C-A. GRCh37 (hg19) VCF-style: chr2-86267609-C-A.
Other names: short protein forms A1216S.
Identifiers: ClinVar variation 1925181 (VCV001925181.5), dbSNP rs1672581431, ClinGen allele CA347552537.

ClinVar aggregate classification (germline): Uncertain significance (1 of 4 stars; one submission).

Allele frequency attached by ClinVar (database versions not stated): gnomAD exomes below 0.00001; gnomAD 0.00001.
gnomAD v4.1: 2 of 1,613,206 alleles (0.00012%); highest among the groups gnomAD compares: Admixed American, 0.0017%; no homozygotes.

Submission:

Labcorp Genetics (formerly Invitae), Labcorp
Classification: Uncertain significance. Last evaluated: 2022-09-12. Review status: criteria provided, single submitter. Criteria: Invitae Variant Classification Sherloc (09022015). Collection method: clinical testing. Allele origin: germline.
Comment: This sequence change replaces alanine, which is neutral and non-polar, with serine, which is neutral and polar, at codon 1216 of the POLR1A protein (p.Ala1216Ser). This variant is not present in population databases (gnomAD no frequency). This variant has not been reported in the literature in individuals affected with POLR1A-related conditions. Advanced modeling of protein sequence and biophysical properties (such as structural, functional, and spatial information, amino acid conservation, physicochemical variation, residue mobility, and thermodynamic stability) performed at Invitae indicates that this missense variant is expected to disrupt POLR1A protein function. In summary, the available evidence is currently insufficient to determine the role of this variant in disease. Therefore, it has been classified as a Variant of Uncertain Significance.